The following is an entry in ClinVar:

ClinVar aggregate classification (germline): Uncertain significance. Review status: criteria provided, multiple submitters, no conflicts (2 of 4 stars). 2 submissions from 2 submitters: Uncertain significance (2). Last evaluated 2025-03-04.

Conditions:
Noonan syndrome (NS). Also called: Noonan's syndrome. Identifiers: Orphanet 648, MedGen C0028326, MeSH D009634, MONDO:0018997. Disease mechanism: gain of function.

Allele frequency attached by ClinVar (database versions not stated): ExAC 0.00001; gnomAD 0.00001 and 0.00002; gnomAD exomes 0.00001; TOPMed 0.00004.
gnomAD v4.1: 18 of 1,613,358 alleles (0.0011%); highest among the groups gnomAD compares: East Asian, 0.013%; no homozygotes.

Submissions (2):

Labcorp Genetics (formerly Invitae), Labcorp
Classification: Uncertain significance for Noonan syndrome. Last evaluated: 2025-03-04. Review status: criteria provided, single submitter. Criteria: Invitae Variant Classification Sherloc (09022015). Collection method: clinical testing. Allele origin: germline.
Comment: This sequence change replaces arginine, which is basic and polar, with tryptophan, which is neutral and slightly polar, at codon 78 of the RRAS protein (p.Arg78Trp). This variant is present in population databases (rs755565332, gnomAD 0.01%). This variant has not been reported in the literature in individuals affected with RRAS-related conditions. ClinVar contains an entry for this variant (Variation ID: 1406870). An algorithm developed to predict the effect of missense changes on protein structure and function (PolyPhen-2) suggests that this variant is likely to be disruptive. In summary, the available evidence is currently insufficient to determine the role of this variant in disease. Therefore, it has been classified as a Variant of Uncertain Significance.

Ambry Genetics
Classification: Uncertain significance. Last evaluated: 2023-04-19. Review status: criteria provided, single submitter. Criteria: Ambry Variant Classification Scheme 2023. Collection method: clinical testing. Allele origin: germline.

NM_006270.5(RRAS):c.232C>T (p.Arg78Trp)

Gene: RRAS (RAS related; minus strand). Cytogenetic location: 19q13.33.
Variant type: single nucleotide variant.
Coding change: c.232C>T on transcript NM_006270.5 (MANE Select); coding-DNA position 232, C replaced by T.
Protein change: p.Arg78Trp; replaces arginine 78 with tryptophan.
Molecular consequence: missense variant.
Genome position (GRCh38, 1-based): chr19:49,637,052, G>A on the plus strand (C>T on the coding strand, the complement: RRAS is on the minus strand). VCF-style: chr19-49637052-G-A. GRCh37 (hg19) VCF-style: chr19-50140309-G-A.
Other names: c.232C>T (NM_006270.3); short protein forms R78W.
Identifiers: ClinVar variation 1406870 (VCV001406870.7), dbSNP rs755565332, ClinGen allele CA9579117.